The following is an entry in ClinVar:

ClinVar aggregate classification (germline): Uncertain significance. Review status: criteria provided, multiple submitters, no conflicts (2 of 4 stars). 3 submissions from 3 submitters: Uncertain significance (3). Last evaluated 2025-07-29.

Conditions:
Familial hypercholesterolemia. Also called: Familial hypercholesterolemias; Familial hypercholesterolaemia. Identifiers: MedGen C0020445, MONDO:0005439.
Hypercholesterolemia, autosomal dominant, 3 (FHCL3). Also called: Familial hypercholesterolemia 3; Familial Hypercholesterolemia, Autosomal Dominant, 3; PCSK9-Related Familial Hypercholesterolemia, Autosomal Dominant. Identifiers: MedGen C1863551, MONDO:0011369, OMIM 603776.

Allele frequency attached by ClinVar (database versions not stated): TOPMed 0.00002; gnomAD 0.00004; gnomAD exomes 0.00007; ExAC 0.00008.

Submissions (3):

Color Diagnostics, LLC DBA Color Health
Classification: Uncertain significance for Familial hypercholesterolemia. Last evaluated: 2025-07-29. Review status: criteria provided, single submitter. Criteria: ACMG Guidelines, 2015. Collection method: clinical testing. Allele origin: germline.
Comment: This missense variant replaces aspartic acid with asparagine at codon 374 of the PCSK9 protein. Computational prediction suggests that this variant may not impact protein structure and function. An experimental functional study has shown that this variant may not have adverse effects on function (PMID: 22875854). This variant has been reported in an individual affected with familial hypercholesterolemia, in an individual with atrioventricular block of unknown cause (PMID: 35470684), and in two individuals showing normal LDL-C levels (PMID: 28008010). This variant has been identified in 20/282536 chromosomes in the general population by the Genome Aggregation Database (gnomAD). Different missense variants occurring at the same codon, p.Asp374Tyr and p.Asp374His, are known to cause familial hypercholesterolemia (Clinvar variation ID: 2875, 265939), indicating that aspartate at this position is important for PCSK9 protein function. The available evidence is insufficient to determine the role of this variant in disease conclusively. Therefore, this variant is classified as a Variant of Uncertain Significance.

All of Us Research Program, National Institutes of Health
Classification: Uncertain significance for Hypercholesterolemia, autosomal dominant, 3. Last evaluated: 2023-12-07. Review status: criteria provided, single submitter. Criteria: ACMG Guidelines, 2015. Collection method: clinical testing. Allele origin: germline. Inheritance: Autosomal dominant inheritance. Observed: 3 variant alleles, 3 heterozygotes.
Comment: This missense variant replaces aspartic acid with asparagine at codon 374 of the PCSK9 protein. Computational prediction suggests that this variant may not impact protein structure and function (internally defined REVEL score threshold <= 0.5, PMID: 27666373). An experimental functional study has shown that this variant may not have adverse effects on function (PMID: 22875854). This variant has been reported in an individual affected with familial hypercholesterolemia, in an individual with atrioventricular block of unknown cause (PMID: 35470684), and in two individuals showing normal LDL-C levels (PMID: 28008010). This variant has been identified in 20/282536 chromosomes in the general population by the Genome Aggregation Database (gnomAD). Different missense variants occurring at the same codon, p.Asp374Tyr and p.Asp374His, are known to cause familial hypercholesterolemia (Clinvar variation ID: 2875, 265939), indicating that aspartate at this position is important for the protein function. The available evidence is insufficient to determine the role of this variant in disease conclusively. Therefore, this variant is classified as a Variant of Uncertain Significance.

This study involves interpretation of variants in research participants for the purpose of population health screening. Participant phenotype was not available at the time of variant classification. Additional details can be found in publication PMID: 35346344, PMCID: PMC8962531

Mayo Clinic Laboratories, Mayo Clinic
Classification: Uncertain significance. Last evaluated: 2023-03-29. Review status: criteria provided, single submitter. Criteria: ACMG Guidelines, 2015. Collection method: clinical testing. Allele origin: germline. Observed: 1 variant allele.
Comment: BS1, PM5

Literature cited by the submitters: PubMed 22875854 (cited by 3 submitters); PubMed 28008010 (cited by 3 submitters); PubMed 35470684 (cited by Color Diagnostics, LLC DBA Color Health and All of Us Research Program, National Institutes of Health); PubMed 33418990 (cited by Mayo Clinic Laboratories, Mayo Clinic).

NM_174936.4(PCSK9):c.1120G>A (p.Asp374Asn)

Gene: PCSK9 (proprotein convertase subtilisin/kexin type 9; plus strand). Cytogenetic location: 1p32.3.
Variant type: single nucleotide variant.
Coding change: c.1120G>A on transcript NM_174936.4 (MANE Select); coding-DNA position 1120, G replaced by A.
Protein change: p.Asp374Asn; replaces aspartic acid 374 with asparagine.
Molecular consequence: missense variant.
Genome position (GRCh38, 1-based): chr1:55,057,454, G>A. VCF-style: chr1-55057454-G-A. GRCh37 (hg19) VCF-style: chr1-55523127-G-A.
Other names: p.Asp374Asn; c.1243G>A, p.Asp415Asn (NM_001407240.1); c.1120G>A, p.Asp374Asn (NM_001407241.1, NM_001407244.1, NM_001407247.1); c.1123G>A, p.Asp375Asn (NM_001407242.1); c.1063G>A, p.Asp355Asn (NM_001407243.1); c.928G>A, p.Asp310Asn (NM_001407245.1); c.745G>A, p.Asp249Asn (NM_001407246.1); short protein forms D374N, D375N, D249N, D415N, D310N, D355N.
Identifiers: ClinVar variation 922432 (VCV000922432.9), dbSNP rs137852912, ClinGen allele CA035223.